The following is an entry in ClinVar:

ClinVar aggregate classification (germline): Pathogenic (1 of 4 stars; one submission).

Submission:

Labcorp Genetics (formerly Invitae), Labcorp
Classification: Pathogenic. Last evaluated: 2019-12-07. Review status: criteria provided, single submitter. Criteria: Invitae Variant Classification Sherloc (09022015). Collection method: clinical testing. Allele origin: germline.
Comment: For these reasons, this variant has been classified as Pathogenic. Loss-of-function variants in CHM are known to be pathogenic (PMID: 9067750, 23811034). Algorithms developed to predict the effect of sequence changes on RNA splicing suggest that this variant may create or strengthen a splice site, but this prediction has not been confirmed by published transcriptional studies. This variant has not been reported in the literature in individuals with CHM-related conditions. This variant is not present in population databases (ExAC no frequency). This sequence change creates a premature translational stop signal (p.Thr148Lysfs*6) in the CHM gene. It is expected to result in an absent or disrupted protein product.

Literature cited by the submitters: PubMed 9067750; PubMed 23811034.

NM_000390.4(CHM):c.437_440dup (p.Thr148fs)

Genes: CHM (CHM Rab escort protein; minus strand), LOC129391306 (MPRA-validated peak7401 silencer; plus strand). Cytogenetic location: Xq21.2.
Variant type: Duplication.
Coding change: c.437_440dup on transcript NM_000390.4 (MANE Select); coding-DNA positions 437 to 440, 4 bases duplicated (TAAG; older notation c.437_440dupTAAG).
Protein change: p.Thr148fs; shifts the reading frame from threonine 148.
Molecular consequence: frameshift variant. On other transcripts: 5 prime UTR variant (4).
Genome position (GRCh38, 1-based): chrX:85,963,927-85,963,930, CTTA duplicated on the plus strand (TAAG on the coding strand, the reverse complement: CHM is on the minus strand). VCF-style (leftmost placement, unchanged base first): chrX-85963926-G-GCTTA. GRCh37 (hg19) VCF-style: chrX-85218931-G-GCTTA.
Other names: c.-8_-5dup (NM_001320959.1, NM_001362517.1, NM_001362518.2 and 1 more transcripts); short protein forms T148fs.
Identifiers: ClinVar variation 860171 (VCV000860171.8), dbSNP rs1930435561, ClinGen allele CA916082502.